The following is an entry in ClinVar:

NM_001267550.2(TTN):c.76693T>C (p.Ser25565Pro)

Genes: TTN (titin; minus strand), TTN-AS1 (TTN antisense RNA 1; plus strand). Cytogenetic location: 2q31.2.
Variant type: single nucleotide variant.
Coding change: c.76693T>C on transcript NM_001267550.2 (MANE Select); coding-DNA position 76693, T replaced by C.
Protein change: p.Ser25565Pro; replaces serine 25565 with proline.
Molecular consequence: missense variant.
Genome position (GRCh38, 1-based): chr2:178,569,439, A>G on the plus strand (T>C on the coding strand, the complement: TTN is on the minus strand). VCF-style: chr2-178569439-A-G. GRCh37 (hg19) VCF-style: chr2-179434166-A-G.
Other names: p.S23924P:TCT>CCT; c.71770T>C, p.Ser23924Pro (NM_001256850.1); c.49498T>C, p.Ser16500Pro (NM_003319.4); c.68989T>C, p.Ser22997Pro (NM_133378.4); c.49873T>C, p.Ser16625Pro (NM_133432.3); c.50074T>C, p.Ser16692Pro (NM_133437.4); short protein forms S23924P, S25565P, S16500P, S16625P, S16692P, S22997P.
Identifiers: ClinVar variation 202869 (VCV000202869.2), dbSNP rs753679035, ClinGen allele CA310539.

ClinVar aggregate classification (germline): Uncertain significance (1 of 4 stars; one submission).

Allele frequency attached by ClinVar (database versions not stated): gnomAD exomes 0.00001; ExAC 0.00001.
gnomAD v4.1: 12 of 1,613,232 alleles (0.00074%); highest among the groups gnomAD compares: Non-Finnish European, 0.001%; no homozygotes.

Submission:

GeneDx
Classification: Uncertain significance. Last evaluated: 2013-06-11. Review status: criteria provided, single submitter. Criteria: GeneDx Variant Classification (06012015). Collection method: clinical testing. Allele origin: germline. Affected: yes.
Comment: Missense variants in the TTN gene are considered 'unclassified' if they are not previously reported in the literature and do not have >1% frequency in the population to be considered a polymorphism. Research indicates that truncating mutations in the TTN gene are expected to account for approximately 25% of familial and 18% of sporadic idiopathic DCM; however, truncating variants in the TTN gene have been reported in approximately 3% of reported control alleles. There has been little investigation into non-truncating variants. (Herman D et al. Truncations of titin causing dilated cardiomyopathy. N Eng J Med 366:619-628, 2012) The variant is found in DCM panel(s).